The following is an entry in ClinVar:

NM_001142864.4(PIEZO1):c.4609G>T (p.Gly1537Cys)

Gene: PIEZO1 (piezo type mechanosensitive ion channel component 1 (Er blood group); minus strand). Cytogenetic location: 16q24.3.
Variant type: single nucleotide variant.
Coding change: c.4609G>T on transcript NM_001142864.4 (MANE Select); coding-DNA position 4609, G replaced by T.
Protein change: p.Gly1537Cys; replaces glycine 1537 with cysteine.
Molecular consequence: missense variant.
Genome position (GRCh38, 1-based): chr16:88,722,896, C>A on the plus strand (G>T on the coding strand, the complement: PIEZO1 is on the minus strand). VCF-style: chr16-88722896-C-A. GRCh37 (hg19) VCF-style: chr16-88789304-C-A.
Other names: short protein forms G1537C.
Identifiers: ClinVar variation 4771951 (VCV004771951.1).
Genomic context (GRCh38, chr16:88,722,896, plus strand): 5'-CCTGCAGGAGCTCCTGTGTGAGGAGGTAGCGCTCTGCCCGCAGCACGTCGCTCATGGTGC[C>A]GTGGTGCCGGGTGAACTCCTGCAGCCAGCGTGTCAGCTCATCCACTAGCGCCTGCCCCAG-3'
Protein context (NP_001136336.2, residues 1527-1547): RWLQEFTRHH[Gly1537Cys]TMSDVLRAER

ClinVar aggregate classification (germline): Uncertain significance (1 of 4 stars; one submission).

Submission:

Labcorp Genetics (formerly Invitae), Labcorp
Classification: Uncertain significance. Last evaluated: 2025-10-24. Review status: criteria provided, single submitter. Criteria: Invitae Variant Classification Sherloc (09022015). Collection method: clinical testing. Allele origin: germline.
Comment: This sequence change replaces glycine, which is neutral and non-polar, with cysteine, which is neutral and slightly polar, at codon 1537 of the PIEZO1 protein (p.Gly1537Cys). This variant is not present in population databases (gnomAD no frequency). This variant has not been reported in the literature in individuals affected with PIEZO1-related conditions. Invitae Evidence Modeling of protein sequence and biophysical properties (such as structural, functional, and spatial information, amino acid conservation, physicochemical variation, residue mobility, and thermodynamic stability) indicates that this missense variant is not expected to disrupt PIEZO1 protein function with a negative predictive value of 80%. In summary, the available evidence is currently insufficient to determine the role of this variant in disease. Therefore, it has been classified as a Variant of Uncertain Significance.